The following is an entry in ClinVar:

ClinVar aggregate classification (germline): Uncertain significance. Review status: criteria provided, multiple submitters, no conflicts (2 of 4 stars). 3 submissions from 3 submitters: Uncertain significance (3). Last evaluated 2025-09-25.

Conditions:
Neurofibromatosis, type 2 (SWNV). Also called: SCHWANNOMATOSIS, VESTIBULAR; NF2-Related Schwannomatosis; BILATERAL ACOUSTIC NEUROFIBROMATOSIS. Identifiers: Orphanet 637, MedGen C0027832, MONDO:0007039, OMIM 101000. Disease mechanism: loss of function.
Hereditary cancer-predisposing syndrome. Also called: Hereditary neoplastic syndrome; Neoplastic Syndromes, Hereditary; Tumor predisposition; Hereditary Cancer Syndrome. Identifiers: Orphanet 140162, MedGen C0027672, MeSH D009386, MONDO:0015356.

Submissions (3):

Ambry Genetics
Classification: Uncertain significance for Hereditary cancer-predisposing syndrome. Last evaluated: 2025-09-25. Review status: criteria provided, single submitter. Criteria: Ambry Variant Classification Scheme 2023. Collection method: clinical testing. Allele origin: germline.
Comment: The p.K552R variant (also known as c.1655A>G), located in coding exon 15 of the NF2 gene, results from an A to G substitution at nucleotide position 1655. The lysine at codon 552 is replaced by arginine, an amino acid with highly similar properties. This amino acid position is conserved. In addition, the in silico prediction for this alteration is inconclusive. Based on the available evidence, the clinical significance of this variant remains unclear.

All of Us Research Program, National Institutes of Health
Classification: Uncertain significance for Neurofibromatosis, type 2. Last evaluated: 2023-04-10. Review status: criteria provided, single submitter. Criteria: ACMG Guidelines, 2015. Collection method: clinical testing. Allele origin: germline. Inheritance: Autosomal dominant inheritance. Observed: 1 variant allele, 1 heterozygote.
Comment: This missense variant replaces lysine with arginine at codon 552 of the NF2 protein. Computational prediction suggests that this variant may not impact protein structure and function (internally defined REVEL score threshold <= 0.5, PMID: 27666373). To our knowledge, functional studies have not been reported for this variant. This variant has not been reported in individuals affected with NF2-related disorders in the literature. This variant has not been identified in the general population by the Genome Aggregation Database (gnomAD). The available evidence is insufficient to determine the role of this variant in disease conclusively. Therefore, this variant is classified as a Variant of Uncertain Significance.

This study involves interpretation of variants in research participants for the purpose of population health screening. Participant phenotype was not available at the time of variant classification. Additional details can be found in publication PMID: 35346344, PMCID: PMC8962531

Labcorp Genetics (formerly Invitae), Labcorp
Classification: Uncertain significance for Neurofibromatosis, type 2. Last evaluated: 2022-09-20. Review status: criteria provided, single submitter. Criteria: Invitae Variant Classification Sherloc (09022015). Collection method: clinical testing. Allele origin: germline.
Comment: In summary, the available evidence is currently insufficient to determine the role of this variant in disease. Therefore, it has been classified as a Variant of Uncertain Significance. Advanced modeling of protein sequence and biophysical properties (such as structural, functional, and spatial information, amino acid conservation, physicochemical variation, residue mobility, and thermodynamic stability) performed at Invitae indicates that this missense variant is not expected to disrupt NF2 protein function. This variant has not been reported in the literature in individuals affected with NF2-related conditions. This variant is not present in population databases (gnomAD no frequency). This sequence change replaces lysine, which is basic and polar, with arginine, which is basic and polar, at codon 552 of the NF2 protein (p.Lys552Arg).

NM_000268.4(NF2):c.1655A>G (p.Lys552Arg)

Gene: NF2 (NF2, moesin-ezrin-radixin like (MERLIN) tumor suppressor; plus strand). Cytogenetic location: 22q12.2.
Variant type: single nucleotide variant.
Coding change: c.1655A>G on transcript NM_000268.4 (MANE Select); coding-DNA position 1655, A replaced by G.
Protein change: p.Lys552Arg; replaces lysine 552 with arginine.
Molecular consequence: missense variant. On other transcripts: non-coding transcript variant (1), intron variant (1).
Genome position (GRCh38, 1-based): chr22:29,681,519, A>G. VCF-style: chr22-29681519-A-G. GRCh37 (hg19) VCF-style: chr22-30077508-A-G.
Other names: c.1541A>G, p.Lys514Arg (NM_001407053.1, NM_001407056.1); c.1532A>G, p.Lys511Arg (NM_001407054.1, NM_001407058.1, NM_181829.3); c.1529A>G, p.Lys510Arg (NM_001407055.1, NM_181828.3); c.1520A>G, p.Lys507Arg (NM_001407057.1, NM_001407059.1); c.1397A>G, p.Lys466Arg (NM_001407062.1); c.1406A>G, p.Lys469Arg (NM_001407063.1, NM_181830.3, NM_181831.3); c.1121A>G, p.Lys374Arg (NM_001407065.1); c.1655A>G, p.Lys552Arg (NM_001407066.1, NM_016418.5, NM_181825.3 and 1 more transcripts); and 2 more; short protein forms K514R, K552R, K469R, K475R, K507R, K511R, K374R, K466R.
Identifiers: ClinVar variation 1960527 (VCV001960527.6), dbSNP rs2518735161, ClinGen allele CA411150207.